The following is an entry in ClinVar:

ClinVar aggregate classification (germline): Uncertain significance. Review status: criteria provided, multiple submitters, no conflicts (2 of 4 stars). 2 submissions from 2 submitters: Uncertain significance (2). Last evaluated 2024-01-23.

Allele frequency attached by ClinVar (database versions not stated): TOPMed 0.00001; gnomAD 0.00002 and 0.00003; gnomAD exomes 0.00002; ExAC 0.00003; ESP Exome Variant Server 0.00008.
gnomAD v4.1: 15 of 1,613,712 alleles (0.00093%); highest among the groups gnomAD compares: Middle Eastern, 0.016%; no homozygotes.

Submissions (2):

GeneDx
Classification: Uncertain significance. Last evaluated: 2024-01-23. Review status: criteria provided, single submitter. Criteria: GeneDx Variant Classification Process June 2021. Collection method: clinical testing. Allele origin: germline. Affected: yes.
Comment: Apparently de novo variant in a patient with autism in published literature, although detailed clinical information was not provided (PMID: 35982159); In silico analysis supports that this missense variant does not alter protein structure/function; This variant is associated with the following publications: (PMID: 35982159)

Labcorp Genetics (formerly Invitae), Labcorp
Classification: Uncertain significance. Last evaluated: 2021-09-01. Review status: criteria provided, single submitter. Criteria: Invitae Variant Classification Sherloc (09022015). Collection method: clinical testing. Allele origin: germline.
Comment: This sequence change replaces valine with isoleucine at codon 341 of the OCA2 protein (p.Val341Ile). The valine residue is highly conserved and there is a small physicochemical difference between valine and isoleucine. This variant is present in population databases (rs368159473, ExAC 0.02%). This variant has not been reported in the literature in individuals affected with OCA2-related conditions. ClinVar contains an entry for this variant (Variation ID: 423584). Advanced modeling of protein sequence and biophysical properties (such as structural, functional, and spatial information, amino acid conservation, physicochemical variation, residue mobility, and thermodynamic stability) performed at Invitae indicates that this missense variant is expected to disrupt OCA2 protein function. In summary, the available evidence is currently insufficient to determine the role of this variant in disease. Therefore, it has been classified as a Variant of Uncertain Significance.

NM_000275.3(OCA2):c.1021G>A (p.Val341Ile)

Gene: OCA2 (OCA2 melanosomal transmembrane protein; minus strand). Cytogenetic location: 15q13.1.
Variant type: single nucleotide variant.
Coding change: c.1021G>A on transcript NM_000275.3 (MANE Select); coding-DNA position 1021, G replaced by A.
Protein change: p.Val341Ile; replaces valine 341 with isoleucine.
Molecular consequence: missense variant.
Genome position (GRCh38, 1-based): chr15:28,014,799, C>T on the plus strand (G>A on the coding strand, the complement: OCA2 is on the minus strand). VCF-style: chr15-28014799-C-T. GRCh37 (hg19) VCF-style: chr15-28259945-C-T.
Other names: c.1021G>A, p.Val341Ile (NM_001300984.2); short protein forms V341I.
Identifiers: ClinVar variation 423584 (VCV000423584.7), dbSNP rs368159473, ClinGen allele CA7439259.